The following is an entry in ClinVar:

ClinVar aggregate classification (germline): Uncertain significance (1 of 4 stars; one submission).

Allele frequency attached by ClinVar (database versions not stated): gnomAD exomes 0.00001; ExAC 0.00002.
gnomAD v4.1: 15 of 1,613,580 alleles (0.00093%); highest among the groups gnomAD compares: South Asian, 0.014%; no homozygotes.

Submission:

Labcorp Genetics (formerly Invitae), Labcorp
Classification: Uncertain significance. Last evaluated: 2022-04-12. Review status: criteria provided, single submitter. Criteria: Invitae Variant Classification Sherloc (09022015). Collection method: clinical testing. Allele origin: germline.
Comment: In summary, the available evidence is currently insufficient to determine the role of this variant in disease. Therefore, it has been classified as a Variant of Uncertain Significance. Algorithms developed to predict the effect of missense changes on protein structure and function output the following: SIFT: "Tolerated"; PolyPhen-2: "Benign"; Align-GVGD: "Class C0". The leucine amino acid residue is found in multiple mammalian species, which suggests that this missense change does not adversely affect protein function. This variant has not been reported in the literature in individuals affected with TNFAIP3-related conditions. This variant is present in population databases (rs552233795, gnomAD 0.02%). This sequence change replaces methionine, which is neutral and non-polar, with leucine, which is neutral and non-polar, at codon 743 of the TNFAIP3 protein (p.Met743Leu).

NM_001270508.2(TNFAIP3):c.2227A>T (p.Met743Leu)

Gene: TNFAIP3 (TNF alpha induced protein 3; plus strand). Cytogenetic location: 6q23.3.
Variant type: single nucleotide variant.
Coding change: c.2227A>T on transcript NM_001270508.2 (MANE Select); coding-DNA position 2227, A replaced by T.
Protein change: p.Met743Leu; replaces methionine 743 with leucine.
Molecular consequence: missense variant.
Genome position (GRCh38, 1-based): chr6:137,881,173, A>T. VCF-style: chr6-137881173-A-T. GRCh37 (hg19) VCF-style: chr6-138202310-A-T.
Other names: c.2227A>T, p.Met743Leu (NM_001270507.2, NM_006290.4); short protein forms M743L.
Identifiers: ClinVar variation 2150688 (VCV002150688.4), dbSNP rs552233795, ClinGen allele CA4019821.
Genomic context (GRCh38, chr6:137,881,173, plus strand): 5'-AACATCCTGGCCTGCCGCAGCGAGGAGCTCTGCATGGAGTGTCAGCATCCCAACCAGAGG[A>T]TGGGCCCTGGGGCCCACCGGGGTGAGCCTGCCCCCGAAGACCCCCCCAAGCAGCGTTGCC-3'
Protein context (NP_001257437.1, residues 733-753): CMECQHPNQR[Met743Leu]GPGAHRGEPA